The following is an entry in ClinVar:

NM_000136.3(FANCC):c.166-620_250+3083delinsAACTAAATTTACTTTTT

Gene: FANCC (FA complementation group C; minus strand). Cytogenetic location: 9q22.32.
Variant type: Indel.
Coding change: c.166-620_250+3083delinsAACTAAATTTACTTTTT on transcript NM_000136.3 (MANE Select); 620 bases into the intron before coding-DNA position 166 through 3083 bases into the intron after coding-DNA position 250, the reference bases replaced by AACTAAATTTACTTTTT.
Molecular consequence: splice acceptor variant, splice donor variant.
Genome position (GRCh38, 1-based): chr9:95,244,349-95,248,136, 3,788 bases replaced. GRCh37 (hg19): chr9:98,006,631-98,010,418.
Other names: c.166-620_250+3083delinsAACTAAATTTACTTTTT (NM_001243743.2, NM_001243744.2).
Identifiers: ClinVar variation 929803 (VCV000929803.1), ClinGen allele CA1139661031.

ClinVar aggregate classification (germline): Pathogenic (0 of 4 stars; one submission).

Conditions:
Fanconi anemia complementation group C (FANCC). Also called: Fanconi anemia, group C; FANCC-Related Fanconi Anemia; FANCONI PANCYTOPENIA, TYPE 3; FACC. Identifiers: Orphanet 84, MedGen C3468041, MONDO:0009213, OMIM 227645.

Submission:

Leiden Open Variation Database
Classification: Pathogenic for Fanconi anemia complementation group C. Last evaluated: 2020-02-28. Review status: no assertion criteria provided. Collection method: curation. Allele origin: germline. Affected: yes.
Comment: Curator: Arleen D. Auerbach. Submitter to LOVD: Arleen D. Auerbach.

Literature cited by the submitters: PubMed 25168418.